The following is an entry in ClinVar:

ClinVar aggregate classification (germline): Uncertain significance (1 of 4 stars; one submission).

Allele frequency attached by ClinVar (database versions not stated): gnomAD exomes below 0.00001 and 0.00001; ExAC 0.00001.
gnomAD v4.1: 4 of 1,614,058 alleles (0.00025%); highest among the groups gnomAD compares: Non-Finnish European, 0.00034%; no homozygotes.

Submission:

GeneDx
Classification: Uncertain significance. Last evaluated: 2018-03-05. Review status: criteria provided, single submitter. Criteria: GeneDx Variant Classification (06012015). Collection method: clinical testing. Allele origin: germline. Affected: yes.
Comment: p.Asp597Asn (GAT>AAT): c.1789 G>A in exon 14 of the GYS2 gene (NM_021957.3). The D597N missense substitution has not been published as a mutation, nor has it been reported as a benign polymorphism to our knowledge. The amino acid change is non-conservative in that a negatively charged Aspartic Acid residue is replaced by an uncharged Asparagine residue. This change occurs at a highly conserved position in the GYS2 protein, and multiple in-silico analysis models predict that D597N is damaging to the GYS2 protein. However, based on the currently available information, it is unclear whether D597N is a disease-causing mutation or a rare benign variant. The variant is found in MITONUC-MITOP panel(s).

NM_021957.4(GYS2):c.1789G>A (p.Asp597Asn)

Gene: GYS2 (glycogen synthase 2; minus strand). Cytogenetic location: 12p12.1.
Variant type: single nucleotide variant.
Coding change: c.1789G>A on transcript NM_021957.4 (MANE Select); coding-DNA position 1789, G replaced by A.
Protein change: p.Asp597Asn; replaces aspartic acid 597 with asparagine.
Molecular consequence: missense variant.
Genome position (GRCh38, 1-based): chr12:21,540,430, C>T on the plus strand (G>A on the coding strand, the complement: GYS2 is on the minus strand). VCF-style: chr12-21540430-C-T. GRCh37 (hg19) VCF-style: chr12-21693364-C-T.
Other names: p.D597N:GAT>AAT; short protein forms D597N.
Identifiers: ClinVar variation 214535 (VCV000214535.2), dbSNP rs750238325, ClinGen allele CA325302.